The following is an entry in ClinVar:

ClinVar aggregate classification (germline): Uncertain significance. Review status: criteria provided, multiple submitters, no conflicts (2 of 4 stars). 3 submissions from 3 submitters: Uncertain significance (3). Last evaluated 2025-01-01.

Conditions:
Inborn genetic diseases. Identifiers: MedGen C0950123, MeSH D030342.

gnomAD v4.1: 15 of 1,612,676 alleles (0.00093%); highest among the groups gnomAD compares: Middle Eastern, 0.049%; no homozygotes.

Submissions (3):

Ambry Genetics
Classification: Uncertain significance for Inborn genetic diseases. Last evaluated: 2025-01-01. Review status: criteria provided, single submitter. Criteria: Ambry Variant Classification Scheme 2023. Collection method: clinical testing. Allele origin: germline.

Labcorp Genetics (formerly Invitae), Labcorp
Classification: Uncertain significance. Last evaluated: 2022-08-09. Review status: criteria provided, single submitter. Criteria: Invitae Variant Classification Sherloc (09022015). Collection method: clinical testing. Allele origin: germline.
Comment: This sequence change replaces threonine, which is neutral and polar, with arginine, which is basic and polar, at codon 1252 of the ABCC6 protein (p.Thr1252Arg). This variant is present in population databases (rs143212758, gnomAD 0.003%). This variant has not been reported in the literature in individuals affected with ABCC6-related conditions. Advanced modeling of protein sequence and biophysical properties (such as structural, functional, and spatial information, amino acid conservation, physicochemical variation, residue mobility, and thermodynamic stability) performed at Invitae indicates that this missense variant is not expected to disrupt ABCC6 protein function. In summary, the available evidence is currently insufficient to determine the role of this variant in disease. Therefore, it has been classified as a Variant of Uncertain Significance.

Breakthrough Genomics
Classification: Uncertain significance. Review status: criteria provided, single submitter. Criteria: ACMG Guidelines, 2015. Collection method: not provided. Allele origin: germline. Inheritance: Autosomal recessive inheritance. Affected: yes.

NM_001171.6(ABCC6):c.3755C>G (p.Thr1252Arg)

Gene: ABCC6 (ATP binding cassette subfamily C member 6; minus strand). Cytogenetic location: 16p13.11.
Variant type: single nucleotide variant.
Coding change: c.3755C>G on transcript NM_001171.6 (MANE Select); coding-DNA position 3755, C replaced by G.
Protein change: p.Thr1252Arg; replaces threonine 1252 with arginine.
Molecular consequence: missense variant. On other transcripts: non-coding transcript variant (1).
Genome position (GRCh38, 1-based): chr16:16,157,790, G>C on the plus strand (C>G on the coding strand, the complement: ABCC6 is on the minus strand). VCF-style: chr16-16157790-G-C. GRCh37 (hg19) VCF-style: chr16-16251647-G-C.
Other names: c.3413C>G, p.Thr1138Arg (NM_001351800.1); c.3755C>G (NM_001171.5); short protein forms T1138R, T1252R.
Identifiers: ClinVar variation 2428385 (VCV002428385.5), dbSNP rs143212758, ClinGen allele CA7925428.
Genomic context (GRCh38, chr16:16,157,790, plus strand): 5'-AGCCCAAAGTCCCGGAACTCGATCTGCCCGCCCTGAGGCCAGGGGGGCTGAGCTGCACAT[G>C]TGGGCAGCCTCCAGGGAGCCTGGAGCAGGAGGGGAAACTGAGTCAGAGGAGCCTTCCTCT-3'
Protein context (NP_001162.5, residues 1242-1262): TPKEAPWRLP[Thr1252Arg]CAAQPPWPQG